The following is an entry in ClinVar:

ClinVar aggregate classification (germline): Uncertain significance. Review status: criteria provided, multiple submitters, no conflicts (2 of 4 stars). 2 submissions from 2 submitters: Uncertain significance (2). Last evaluated 2024-07-25.

Conditions:
Gorlin syndrome. Also called: Nevoid Basal Cell Carcinoma Syndrome; Basal cell nevus syndrome. Identifiers: Orphanet 377, MedGen C0004779, MONDO:0007187.
Hereditary cancer-predisposing syndrome. Also called: Tumor predisposition; Hereditary Cancer Syndrome; Neoplastic Syndromes, Hereditary; Hereditary neoplastic syndrome. Identifiers: Orphanet 140162, MedGen C0027672, MeSH D009386, MONDO:0015356.

Submissions (2):

Labcorp Genetics (formerly Invitae), Labcorp
Classification: Uncertain significance for Gorlin syndrome. Last evaluated: 2024-07-25. Review status: criteria provided, single submitter. Criteria: Invitae Variant Classification Sherloc (09022015). Collection method: clinical testing. Allele origin: germline.
Comment: This sequence change replaces glutamine, which is neutral and polar, with arginine, which is basic and polar, at codon 1301 of the PTCH1 protein (p.Gln1301Arg). This variant is not present in population databases (gnomAD no frequency). This variant has not been reported in the literature in individuals affected with PTCH1-related conditions. Advanced modeling of protein sequence and biophysical properties (such as structural, functional, and spatial information, amino acid conservation, physicochemical variation, residue mobility, and thermodynamic stability) performed at Invitae indicates that this missense variant is not expected to disrupt PTCH1 protein function with a negative predictive value of 95%. In summary, the available evidence is currently insufficient to determine the role of this variant in disease. Therefore, it has been classified as a Variant of Uncertain Significance.

Ambry Genetics
Classification: Uncertain significance for Hereditary cancer-predisposing syndrome. Last evaluated: 2023-12-15. Review status: criteria provided, single submitter. Criteria: Ambry Variant Classification Scheme 2023. Collection method: clinical testing. Allele origin: germline.
Comment: The p.Q1301R variant (also known as c.3902A>G), located in coding exon 23 of the PTCH1 gene, results from an A to G substitution at nucleotide position 3902. The glutamine at codon 1301 is replaced by arginine, an amino acid with highly similar properties. This amino acid position is conserved. In addition, this alteration is predicted to be tolerated by in silico analysis. Since supporting evidence is limited at this time, the clinical significance of this alteration remains unclear.

NM_000264.5(PTCH1):c.3902A>G (p.Gln1301Arg)

Gene: PTCH1 (patched 1; minus strand). Cytogenetic location: 9q22.32.
Variant type: single nucleotide variant.
Coding change: c.3902A>G on transcript NM_000264.5 (MANE Select); coding-DNA position 3902, A replaced by G.
Protein change: p.Gln1301Arg; replaces glutamine 1301 with arginine.
Molecular consequence: missense variant. On other transcripts: non-coding transcript variant (1).
Genome position (GRCh38, 1-based): chr9:95,447,354, T>C on the plus strand (A>G on the coding strand, the complement: PTCH1 is on the minus strand). VCF-style: chr9-95447354-T-C. GRCh37 (hg19) VCF-style: chr9-98209636-T-C.
Other names: c.3704A>G, p.Gln1235Arg (NM_001083602.3); c.3899A>G, p.Gln1300Arg (NM_001083603.3); c.3449A>G, p.Gln1150Arg (NM_001083604.3, NM_001083605.3, NM_001083606.3 and 1 more transcripts); c.3746A>G, p.Gln1249Arg (NM_001354918.2); short protein forms Q1235R, Q1300R, Q1150R, Q1301R, Q1249R.
Identifiers: ClinVar variation 2959078 (VCV002959078.4), dbSNP rs2136582527, ClinGen allele CA374110692.
Genomic context (GRCh38, chr9:95,447,354, plus strand): 5'-TCTCTGCGCGGTCTGTAGGGGGGTGGCCACAAGCCTTCTCTGGGGGGGTCCCTGCGGGGC[T>C]GCTGGCCTTGCCGTCCGGGAGGCAGGGACCCTGAGTCCAGGTGGGGCTGCTGTCTCGGGT-3'
Protein context (NP_000255.2, residues 1291-1311): GSLPPGRQGQ[Gln1301Arg]PRRDPPREGL